The following is an entry in ClinVar:

ClinVar aggregate classification (germline): Conflicting classifications of pathogenicity. Review status: criteria provided, conflicting classifications (1 of 4 stars). 12 submissions from 9 submitters: Uncertain significance (8); Benign (1); Likely benign (3). Last evaluated 2026-08-31.

Conditions:
RPGRIP1-related disorder. Also called: RPGRIP1-related condition.
Retinal dystrophy. Also called: Inherited retinal dystrophy. Identifiers: Orphanet 71862, MedGen C0854723, MeSH D058499, MONDO:0019118, HP:0000556.
Optic atrophy. Identifiers: MedGen C0029124, MONDO:0003608, HP:0000648.
Leber congenital amaurosis 6 (LCA6). Identifiers: Orphanet 65, MedGen C1854260, MONDO:0013446, OMIM 613826.
Cone-rod dystrophy 13 (CORD13). Identifiers: Orphanet 1872, MedGen C2750720, MONDO:0011987, OMIM 608194.

Allele frequency attached by ClinVar (database versions not stated): ESP Exome Variant Server 0.00073; gnomAD 0.00074 and 0.00076; ExAC 0.00103; TOPMed 0.00062; 1000 Genomes Project 30x 0.00016; 1000 Genomes Project 0.00020; gnomAD exomes 0.00081.
gnomAD v4.1: 1,659 of 1,613,948 alleles (0.1%); highest among the groups gnomAD compares: Non-Finnish European, 0.13%; 5 homozygotes.

Submissions (12):

PreventionGenetics, part of Exact Sciences
Classification: Uncertain significance for RPGRIP1-related condition. Last evaluated: 2026-08-31. Review status: criteria provided, single submitter. Criteria: ACMG Guidelines, 2015. Collection method: clinical testing. Allele origin: germline.
Comment: The RPGRIP1 c.2555G>A variant is predicted to result in the amino acid substitution p.Arg852Gln. This variant was reported in the heterozygous state in individuals with primary open angle glaucoma; however, the variant was also identified in unaffected controls (Fernández-Martínez et al. 2011. PubMed ID: 21224891). This variant was reported as an additional allele in an individual with retinitis pigmentosa; this patient already carried a pathogenic deletion in PRPF31 (Eisenberger et al. 2013. PubMed ID: 24265693). This variant was also described as an additional allele in an individual with Leber congenital amaurosis who harbored two potentially causative variants in GUCY2D (Astuti et al. 2015. PubMed ID: 26626312). Lastly, this variant was described, in the absence of a second potentially causative variant in the same gene, in an individual with suspected autosomal recessive retinitis pigmentosa (Vallespin et al. 2007. PubMed ID: 18055816). This variant is reported in 0.14% of alleles in individuals of European (Non-Finnish) descent in gnomAD, which may be too frequent to be a primary cause of disease. Although we suspect that this variant may be benign, at this time, the clinical significance of this variant is uncertain due to the absence of conclusive functional and genetic evidence.

Labcorp Genetics (formerly Invitae), Labcorp
Classification: Benign for Leber congenital amaurosis 6; Cone-rod dystrophy 13. Last evaluated: 2026-01-28. Review status: criteria provided, single submitter. Criteria: Invitae Variant Classification Sherloc (09022015). Collection method: clinical testing. Allele origin: germline.

Blueprint Genetics
Classification: Likely benign. Last evaluated: 2024-11-05. Review status: criteria provided, single submitter. Criteria: ACMG Guidelines, 2015. Collection method: clinical testing. Allele origin: germline.

Department of Pathology and Laboratory Medicine, Sinai Health System
Classification: Uncertain significance for Cone-rod dystrophy 13; Leber congenital amaurosis 6. Last evaluated: 2023-12-18. Review status: criteria provided, single submitter. Criteria: ACMG Guidelines, 2015. Collection method: research. Allele origin: germline.

Institute of Human Genetics, Univ. Regensburg, Univ. Regensburg
Classification: Uncertain significance for Optic atrophy. Last evaluated: 2023-01-01. Review status: criteria provided, single submitter. Criteria: ACMG Guidelines, 2015. Collection method: clinical testing. Allele origin: germline. Affected: yes.

Institute of Human Genetics, Univ. Regensburg, Univ. Regensburg
Classification: Uncertain significance for Retinal dystrophy. Last evaluated: 2023-01-01. Review status: criteria provided, single submitter. Criteria: ACMG Guidelines, 2015. Collection method: clinical testing. Allele origin: germline. Affected: yes.

Genome-Nilou Lab
Classification: Likely benign for Leber congenital amaurosis 6. Last evaluated: 2021-11-07. Review status: criteria provided, single submitter. Criteria: ACMG Guidelines, 2015. Collection method: clinical testing. Allele origin: germline. Affected: no.

Genome-Nilou Lab
Classification: Likely benign for Cone-rod dystrophy 13. Last evaluated: 2021-11-07. Review status: criteria provided, single submitter. Criteria: ACMG Guidelines, 2015. Collection method: clinical testing. Allele origin: germline. Affected: no.

ARUP Laboratories, Molecular Genetics and Genomics, ARUP Laboratories
Classification: Uncertain significance. Last evaluated: 2019-01-24. Review status: criteria provided, single submitter. Criteria: ARUP Molecular Germline Variant Investigation Process. Collection method: clinical testing. Allele origin: germline.
Comment: The RPGRIP1 c.2555G>A; p.Arg852Gln variant (rs181758389) is reported in the medical literature in two individuals with early-onset retinal disease (Astuti 2015, Vallespin 2007). However, one of these individuals also carried 2 GUCY2D variants (Astuti 2015). The variant has also been detected at approximately the same frequency in individuals with open angle glaucoma as control individuals (Fernandez 2011). The variant is described in the ClinVar database (Variation ID: 95948) and in the general population with an allele frequency of 0.08% (225/280646 alleles including 2 homozygotes) in the Genome Aggregation Database. The arginine at this position is moderately conserved and computational algorithms (PolyPhen-2, SIFT) predict this variant is tolerated. In support of this prediction, in vitro experiments show this variant does not affect interactions of this protein with NPHP (Roepman 2005). Although there are indications this variant may be benign, the clinical significance of this variant is uncertain at this time. References: Astuti GD et al. Comprehensive genotyping reveals RPE65 as the most frequently mutated gene in Leber congenital amaurosis in Denmark. Eur J Hum Genet. 2016 Jul;24(7):1071-9. Fernandez-Martinez L et al. Evidence for RPGRIP1 gene as risk factor for primary open angle glaucoma. Eur J Hum Genet. 2011 Apr;19(4):445-51. Roepman R et al. Interaction of nephrocystin-4 and RPGRIP1 is disrupted by nephronophthisis or Leber congenital amaurosis-associated mutations. Proc Natl Acad Sci U S A. 2005 Dec 20;102(51):18520-5. Vallespin E et al. Mutation screening of 299 Spanish families with retinal dystrophies by Leber congenital amaurosis genotyping microarray. Invest Ophthalmol Vis Sci. 2007 Dec;48(12):5653-61.

Eurofins Ntd Llc (ga)
Classification: Uncertain significance. Last evaluated: 2017-11-17. Review status: criteria provided, single submitter. Criteria: EGL Classification Definitions 2015. Collection method: clinical testing. Allele origin: germline. Observed: 4 variant alleles, 4 heterozygotes.

Illumina Laboratory Services, Illumina
Classification: Uncertain significance for Cone-rod dystrophy 13. Last evaluated: 2017-04-27. Review status: criteria provided, single submitter. Criteria: ICSL Variant Classification Criteria 13 December 2019. Collection method: clinical testing. Allele origin: germline.
Comment: This variant was observed as part of a predisposition screen in an ostensibly healthy population. A literature search was performed for the gene, cDNA change, and amino acid change (where applicable). Publications were found based on this search. However, the evidence from the literature, in combination with allele frequency data from public databases where available, was not sufficient to rule this variant in or out of causing disease. Therefore, this variant is classified as a variant of unknown significance.

Illumina Laboratory Services, Illumina
Classification: Uncertain significance for Leber congenital amaurosis 6. Last evaluated: 2017-04-27. Review status: criteria provided, single submitter. Criteria: ICSL Variant Classification Criteria 13 December 2019. Collection method: clinical testing. Allele origin: germline.
Comment: the same text as in the submission from Illumina Laboratory Services, Illumina above.

Literature cited by the submitters: PubMed 16123401 (cited by Institute of Human Genetics, Univ. Regensburg, Univ. Regensburg and Illumina Laboratory Services, Illumina); PubMed 21224891 (cited by 3 submitters); PubMed 24265693 (cited by Institute of Human Genetics, Univ. Regensburg, Univ. Regensburg); PubMed 26626312 (cited by Institute of Human Genetics, Univ. Regensburg, Univ. Regensburg); PubMed 18055816 (cited by Eurofins Ntd Llc (ga)); PubMed 16339905 (cited by Illumina Laboratory Services, Illumina).

NM_020366.4(RPGRIP1):c.2555G>A (p.Arg852Gln)

Gene: RPGRIP1 (RPGR interacting protein 1; plus strand). Cytogenetic location: 14q11.2.
Variant type: single nucleotide variant.
Coding change: c.2555G>A on transcript NM_020366.4 (MANE Select); coding-DNA position 2555, G replaced by A.
Protein change: p.Arg852Gln; replaces arginine 852 with glutamine.
Molecular consequence: missense variant. On other transcripts: intron variant (4).
Genome position (GRCh38, 1-based): chr14:21,326,018, G>A. VCF-style: chr14-21326018-G-A. GRCh37 (hg19) VCF-style: chr14-21794177-G-A.
Other names: c.1481G>A, p.Arg494Gln (NM_001377948.1); c.796+1293G>A (NM_001377949.1); c.689-1605G>A (NM_001377523.1, NM_001377950.1); c.191-1605G>A (NM_001377951.1); short protein forms R852Q, R494Q.
Identifiers: ClinVar variation 95948 (VCV000095948.31), dbSNP rs181758389, ClinGen allele CA223562.
Genomic context (GRCh38, chr14:21,326,018, plus strand): 5'-CTGACCATGACACTGCCATCATTCCAGCCAGTAACAACCCCTACTTTAGAGACCAGGCTC[G>A]ATTCCCAGTGCTTGTGACCTCTGACCTGGACCATTATCTGAGACGGGAGGCCTTGTCTAT-3'
Protein context (NP_065099.3, residues 842-862): SNNPYFRDQA[Arg852Gln]FPVLVTSDLD